The following is an entry in ClinVar:

ClinVar aggregate classification (germline): Uncertain significance. Review status: criteria provided, multiple submitters, no conflicts (2 of 4 stars). 3 submissions from 3 submitters: Uncertain significance (3). Last evaluated 2024-09-28.

Conditions:
Inborn genetic diseases. Identifiers: MedGen C0950123, MeSH D030342.
Hermansky-Pudlak syndrome 2 (HPS2). Also called: Platelet defects and oculocutaneous albinism. Identifiers: Orphanet 183678, Orphanet 79430, MedGen C1842362, MONDO:0011997, OMIM 608233.

Allele frequency attached by ClinVar (database versions not stated): gnomAD below 0.00001 and 0.00003; TOPMed 0.00001; gnomAD exomes 0.00005 and 0.00012; ExAC 0.00010.
gnomAD v4.1: 82 of 1,613,398 alleles (0.0051%); highest among the groups gnomAD compares: South Asian, 0.087%; 1 homozygote.

Submissions (3):

Labcorp Genetics (formerly Invitae), Labcorp
Classification: Uncertain significance for Hermansky-Pudlak syndrome 2. Last evaluated: 2024-09-28. Review status: criteria provided, single submitter. Criteria: Invitae Variant Classification Sherloc (09022015). Collection method: clinical testing. Allele origin: germline.
Comment: This sequence change replaces valine, which is neutral and non-polar, with isoleucine, which is neutral and non-polar, at codon 377 of the AP3B1 protein (p.Val377Ile). This variant is present in population databases (rs757985695, gnomAD 0.1%). This variant has not been reported in the literature in individuals affected with AP3B1-related conditions. ClinVar contains an entry for this variant (Variation ID: 906556). An algorithm developed to predict the effect of missense changes on protein structure and function (PolyPhen-2) suggests that this variant¬†is likely to be tolerated. In summary, the available evidence is currently insufficient to determine the role of this variant in disease. Therefore, it has been classified as a Variant of Uncertain Significance.

Ambry Genetics
Classification: Uncertain significance for Inborn genetic diseases. Last evaluated: 2024-07-09. Review status: criteria provided, single submitter. Criteria: Ambry Variant Classification Scheme 2023. Collection method: clinical testing. Allele origin: germline.

Illumina Laboratory Services, Illumina
Classification: Uncertain significance for Hermansky-Pudlak syndrome 2. Last evaluated: 2018-01-13. Review status: criteria provided, single submitter. Criteria: ICSL Variant Classification Criteria 13 December 2019. Collection method: clinical testing. Allele origin: germline.

NM_003664.5(AP3B1):c.1129G>A (p.Val377Ile)

Gene: AP3B1 (adaptor related protein complex 3 subunit beta 1; minus strand). Cytogenetic location: 5q14.1.
Variant type: single nucleotide variant.
Coding change: c.1129G>A on transcript NM_003664.5 (MANE Select); coding-DNA position 1129, G replaced by A.
Protein change: p.Val377Ile; replaces valine 377 with isoleucine.
Molecular consequence: missense variant.
Genome position (GRCh38, 1-based): chr5:78,175,664, C>T on the plus strand (G>A on the coding strand, the complement: AP3B1 is on the minus strand). VCF-style: chr5-78175664-C-T. GRCh37 (hg19) VCF-style: chr5-77471488-C-T.
Other names: c.1129G>A (NM_003664.3); c.982G>A, p.Val328Ile (NM_001271769.2); short protein forms V328I, V377I.
Identifiers: ClinVar variation 906556 (VCV000906556.6), dbSNP rs757985695, ClinGen allele CA3317178.
Genomic context (GRCh38, chr5:78,175,664, plus strand): 5'-TGAAAAATGAAAGCATACATACCTTCAGTGTCTTGATCATAGTTGGATCAGTTGACCTAA[C>T]ATAGAAACTCTTCAGATAAGGTTCAAACATCCCCTGGATTACAAAAATAAATACAAAAAT-3'
Protein context (NP_003655.3, residues 367-387): MFEPYLKSFY[Val377Ile]RSTDPTMIKT